The following is an entry in ClinVar:

NM_001035.3(RYR2):c.10648A>G (p.Arg3550Gly)

Gene: RYR2 (ryanodine receptor 2; plus strand). Cytogenetic location: 1q43.
Variant type: single nucleotide variant.
Coding change: c.10648A>G on transcript NM_001035.3 (MANE Select); coding-DNA position 10648, A replaced by G.
Protein change: p.Arg3550Gly; replaces arginine 3550 with glycine.
Molecular consequence: missense variant.
Genome position (GRCh38, 1-based): chr1:237,723,221, A>G. VCF-style: chr1-237723221-A-G. GRCh37 (hg19) VCF-style: chr1-237886521-A-G.
Other names: c.10648A>G, p.Arg3550Gly (LRG_402t1); short protein forms R3550G.
Identifiers: ClinVar variation 463540 (VCV000463540.16), dbSNP rs1553300589, ClinGen allele CA345416167.

ClinVar aggregate classification (germline): Uncertain significance. Review status: criteria provided, multiple submitters, no conflicts (2 of 4 stars). 5 submissions from 5 submitters: Uncertain significance (5). Last evaluated 2024-09-23.

Conditions:
Ventricular arrhythmias due to cardiac ryanodine receptor calcium release deficiency syndrome. Also called: Autosomal dominant cardiac arrhythmia (Kuhn). Identifiers: MedGen C5542154, MONDO:0020745, OMIM 115000.
Arrhythmogenic right ventricular dysplasia 2. Identifiers: MedGen C1832931.
Catecholaminergic polymorphic ventricular tachycardia 1. Also called: VENTRICULAR TACHYCARDIA, STRESS-INDUCED POLYMORPHIC 1; VENTRICULAR TACHYCARDIA, CATECHOLAMINERGIC POLYMORPHIC, 1, WITH OR WITHOUT ATRIAL DYSFUNCTION AND/OR DILATED CARDIOMYOPATHY; RYR2-Related Catecholaminergic Polymorphic Ventricular Tachycardia. Identifiers: Orphanet 3286, MedGen C1631597, MONDO:0011484, OMIM 604772.
Cardiovascular phenotype. Identifiers: MedGen CN230736.
Catecholaminergic polymorphic ventricular tachycardia (CVPT). Also called: Catecholamine-induced polymorphic ventricular tachycardia. Identifiers: Orphanet 3286, MedGen C5574922, MONDO:0017990.
Cardiomyopathy (CMYO). Also called: Cardiomyopathies. Identifiers: Orphanet 167848, MedGen C0878544, MONDO:0004994, HP:0001638. Inheritance: Various modes of inheritance.

Submissions (5):

All of Us Research Program, National Institutes of Health
Classification: Uncertain significance for Catecholaminergic polymorphic ventricular tachycardia. Last evaluated: 2024-09-23. Review status: criteria provided, single submitter. Criteria: ACMG Guidelines, 2015. Collection method: clinical testing. Allele origin: germline. Inheritance: Autosomal dominant inheritance. Observed: 1 variant allele, 1 heterozygote.
Comment: This missense variant replaces arginine with glycine at codon 3550 of the RYR2 protein. Computational prediction suggests that this variant may have deleterious impact on protein structure and function (internally defined REVEL score threshold >= 0.7, PMID: 27666373). To our knowledge, functional studies have not been reported for this variant. This variant has been reported in a young sudden cardiac arrest survivor who was later diagnosed with catecholaminergic polymorphic ventricular tachycardia (PMID: 30763784). This variant has not been identified in the general population by the Genome Aggregation Database (gnomAD). The available evidence is insufficient to determine the role of this variant in disease conclusively. Therefore, this variant is classified as a Variant of Uncertain Significance.

This study involves interpretation of variants in research participants for the purpose of population health screening. Participant phenotype was not available at the time of variant classification. Additional details can be found in publication PMID: 35346344, PMCID: PMC8962531

Labcorp Genetics (formerly Invitae), Labcorp
Classification: Uncertain significance for Catecholaminergic polymorphic ventricular tachycardia 1. Last evaluated: 2024-07-11. Review status: criteria provided, single submitter. Criteria: Invitae Variant Classification Sherloc (09022015). Collection method: clinical testing. Allele origin: germline.
Comment: This sequence change replaces arginine, which is basic and polar, with glycine, which is neutral and non-polar, at codon 3550 of the RYR2 protein (p.Arg3550Gly). This variant is not present in population databases (gnomAD no frequency). This missense change has been observed in individual(s) with catecholaminergic polymorphic ventricular tachycardia (PMID: 31112425). ClinVar contains an entry for this variant (Variation ID: 463540). Advanced modeling of protein sequence and biophysical properties (such as structural, functional, and spatial information, amino acid conservation, physicochemical variation, residue mobility, and thermodynamic stability) has been performed at Invitae for this missense variant, however the output from this modeling did not meet the statistical confidence thresholds required to predict the impact of this variant on RYR2 protein function. In summary, the available evidence is currently insufficient to determine the role of this variant in disease. Therefore, it has been classified as a Variant of Uncertain Significance.

Color Diagnostics, LLC DBA Color Health
Classification: Uncertain significance for Cardiomyopathy. Last evaluated: 2022-03-03. Review status: criteria provided, single submitter. Criteria: ACMG Guidelines, 2015. Collection method: clinical testing. Allele origin: germline.
Comment: This missense variant replaces arginine with glycine at codon 3550 of the RYR2 protein. Computational prediction suggests that this variant may have deleterious impact on protein structure and function (internally defined REVEL score threshold >= 0.7, PMID: 27666373). To our knowledge, functional studies have not been reported for this variant. This variant has been reported in a young sudden cardiac arrest survivor who was later diagnosed with catecholaminergic polymorphic ventricular tachycardia (PMID: 30763784). This variant has not been identified in the general population by the Genome Aggregation Database (gnomAD). The available evidence is insufficient to determine the role of this variant in disease conclusively. Therefore, this variant is classified as a Variant of Uncertain Significance.

Fulgent Genetics
Classification: Uncertain significance for Ventricular arrhythmias due to cardiac ryanodine receptor calcium release deficiency syndrome; Catecholaminergic polymorphic ventricular tachycardia 1. Last evaluated: 2021-07-28. Review status: criteria provided, single submitter. Criteria: ACMG Guidelines, 2015. Collection method: clinical testing. Allele origin: unknown.

Ambry Genetics
Classification: Uncertain significance for Cardiovascular phenotype. Last evaluated: 2016-11-09. Review status: criteria provided, single submitter. Criteria: Ambry Variant Classification Scheme 2023. Collection method: clinical testing. Allele origin: germline.
Comment: The p.R3550G variant (also known as c.10648A>G), located in coding exon 74 of the RYR2 gene, results from an A to G substitution at nucleotide position 10648. The arginine at codon 3550 is replaced by glycine, an amino acid with dissimilar properties. This variant was not reported in population-based cohorts in the following databases: Database of Single Nucleotide Polymorphisms (dbSNP), Exome Aggregation Consortium (ExAC), NHLBI Exome Sequencing Project (ESP), and 1000 Genomes Project. In the ESP, this variant was not observed in 5950 samples (11900 alleles) with coverage at this position. This amino acid position is highly conserved in available vertebrate species. In addition, this alteration is predicted to be deleterious by in silico analysis. Since supporting evidence is limited at this time, the clinical significance of this alteration remains unclear.

Literature cited by the submitters: PubMed 30763784 (cited by All of Us Research Program, National Institutes of Health and Color Diagnostics, LLC DBA Color Health); PubMed 31112425 (cited by Labcorp Genetics (formerly Invitae), Labcorp).